The following is an entry in ClinVar:

ClinVar aggregate classification (germline): Conflicting classifications of pathogenicity. Review status: criteria provided, conflicting classifications (1 of 4 stars). 7 submissions from 7 submitters: Uncertain significance (2); Likely benign (3). 2 of the submissions do not count toward it. Last evaluated 2026-01-28.

Conditions:
COL4A3-related disorder. Also called: COL4A3-Related Disorders; COL4A3-related condition.
Alport syndrome. Also called: Hemorrhagic familial nephritis; Hemorrhagic hereditary nephritis; Congenital hereditary hematuria. Identifiers: Orphanet 63, MedGen C1567741, MONDO:0018965.
Autosomal dominant Alport syndrome (ATS3A). Also called: Alport syndrome dominant type; Renal failure and sensorineural hearing loss; ALPORT SYNDROME 3A, AUTOSOMAL DOMINANT. Identifiers: Orphanet 63, Orphanet 88918, MedGen C5882663, MONDO:0007086, OMIM 104200.
Inborn genetic diseases. Identifiers: MedGen C0950123, MeSH D030342.

Allele frequency attached by ClinVar (database versions not stated): 1000 Genomes Project 0.00080; TOPMed 0.00117; ESP Exome Variant Server 0.00118; gnomAD 0.00120 and 0.00132; gnomAD exomes 0.00008 and 0.00030; ExAC 0.00036; 1000 Genomes Project 30x 0.00078.
gnomAD v4.1: 299 of 1,610,794 alleles (0.019%); highest among the groups gnomAD compares: African/African-American, 0.35%; 1 homozygote.

Submissions (8):

Labcorp Genetics (formerly Invitae), Labcorp
Classification: Likely benign. Last evaluated: 2026-01-28. Review status: criteria provided, single submitter. Criteria: Invitae Variant Classification Sherloc (09022015). Collection method: clinical testing. Allele origin: germline.

Blueprint Genetics
Classification: Likely benign. Last evaluated: 2024-07-04. Review status: criteria provided, single submitter. Criteria: ACMG Guidelines, 2015. Collection method: clinical testing. Allele origin: germline.

Ambry Genetics
Classification: Uncertain significance for Inborn genetic diseases. Last evaluated: 2023-01-23. Review status: criteria provided, single submitter. Criteria: Ambry Variant Classification Scheme 2023. Collection method: clinical testing. Allele origin: germline.

GeneDx
Classification: Likely benign. Last evaluated: 2021-06-15. Review status: criteria provided, single submitter. Criteria: GeneDx Variant Classification Process June 2021. Collection method: clinical testing. Allele origin: germline. Affected: yes.

Illumina Laboratory Services, Illumina
Classification: Uncertain significance for Alport syndrome. Last evaluated: 2018-01-12. Review status: criteria provided, single submitter. Criteria: ICSL Variant Classification Criteria 13 December 2019. Collection method: clinical testing. Allele origin: germline.

PreventionGenetics, part of Exact Sciences
Classification: Likely benign for COL4A3-related condition. Last evaluated: 2024-02-16. Review status: no assertion criteria provided. Collection method: clinical testing. Allele origin: germline. Not counted in ClinVar's aggregate classification.
Comment: This variant is classified as likely benign based on ACMG/AMP sequence variant interpretation guidelines (Richards et al. 2015 PMID: 25741868, with internal and published modifications).

Natera, Inc.
Classification: Likely benign for Autosomal dominant Alport syndrome. Last evaluated: 2020-06-02. Review status: no assertion criteria provided. Collection method: clinical testing. Allele origin: germline. Not counted in ClinVar's aggregate classification.

Dr. Peter K. Rogan Lab, Western University
No classification provided (evidence only). Condition: Uterine corpus endometrial carcinoma. Review status: no classification provided. Collection method: in vitro. Allele origin: not applicable. Functional consequence: retained intron. Not counted in ClinVar's aggregate classification.

NM_000091.5(COL4A3):c.112C>G (p.Gln38Glu)

Genes: COL4A3 (collagen type IV alpha 3 chain; plus strand), MFF-DT (MFF divergent transcript; minus strand). Cytogenetic location: 2q36.3.
Variant type: single nucleotide variant.
Coding change: c.112C>G on transcript NM_000091.5 (MANE Select); coding-DNA position 112, C replaced by G.
Protein change: p.Gln38Glu; replaces glutamine 38 with glutamic acid.
Molecular consequence: missense variant.
Genome position (GRCh38, 1-based): chr2:227,237,992, C>G. VCF-style: chr2-227237992-C-G. GRCh37 (hg19) VCF-style: chr2-228102708-C-G.
Other names: short protein forms Q38E.
Identifiers: ClinVar variation 334753 (VCV000334753.23), dbSNP rs201607115, ClinGen allele CA2145906.